The following is an entry in ClinVar:

NM_001220.5(CAMK2B):c.1226-3C>T

Gene: CAMK2B (calcium/calmodulin dependent protein kinase II beta; minus strand). Cytogenetic location: 7p13.
Variant type: single nucleotide variant.
Coding change: c.1226-3C>T on transcript NM_001220.5 (MANE Select); 3 bases into the intron before coding-DNA position 1226, C replaced by T.
Molecular consequence: intron variant.
Genome position (GRCh38, 1-based): chr7:44,229,504, G>A on the plus strand (C>T on the coding strand, the complement: CAMK2B is on the minus strand). VCF-style: chr7-44229504-G-A. GRCh37 (hg19) VCF-style: chr7-44269103-G-A.
Other names: c.947-8603C>T (NM_172084.3); c.1150+1502C>T (NM_172080.3); c.1036+1502C>T (NM_172083.3); c.1108+1502C>T (NM_172081.3); c.1153+1502C>T (NM_172079.3, NM_172082.3); c.1225+1502C>T (NM_001293170.2, NM_172078.3); c.1226-3C>T (NM_001220.4).
Identifiers: ClinVar variation 1930512 (VCV001930512.6), dbSNP rs901679452, ClinGen allele CA157918301.

ClinVar aggregate classification (germline): Conflicting classifications of pathogenicity. Review status: criteria provided, conflicting classifications (1 of 4 stars). 2 submissions from 2 submitters: Uncertain significance (1); Benign (1). Last evaluated 2025-11-17.

Conditions:
Inborn genetic diseases. Identifiers: MedGen C0950123, MeSH D030342.

Allele frequency attached by ClinVar (database versions not stated): gnomAD exomes below 0.00001; gnomAD 0.00002; TOPMed 0.00003.
gnomAD v4.1: 7 of 1,409,646 alleles (0.0005%); highest among the groups gnomAD compares: African/African-American, 0.0075%; no homozygotes.

Submissions (2):

Ambry Genetics
Classification: Uncertain significance for Inborn genetic diseases. Last evaluated: 2025-11-17. Review status: criteria provided, single submitter. Criteria: Ambry Variant Classification Scheme 2023. Collection method: clinical testing. Allele origin: germline.
Comment: The c.1226-3C>T intronic alteration consists of a C to T substitution 3 nucleotides before coding exon 18 in the CAMK2B gene. This variant was not reported in population-based cohorts in the Genome Aggregation Database (gnomAD). Based on insufficient or conflicting evidence, the clinical significance of this alteration remains unclear.

Labcorp Genetics (formerly Invitae), Labcorp
Classification: Benign. Last evaluated: 2024-12-03. Review status: criteria provided, single submitter. Criteria: Invitae Variant Classification Sherloc (09022015). Collection method: clinical testing. Allele origin: germline.